The following is an entry in ClinVar:

NM_006734.4(HIVEP2):c.1458C>A (p.Asp486Glu)

Gene: HIVEP2 (HIVEP zinc finger 2; minus strand). Cytogenetic location: 6q24.2.
Variant type: single nucleotide variant.
Coding change: c.1458C>A on transcript NM_006734.4 (MANE Select); coding-DNA position 1458, C replaced by A.
Protein change: p.Asp486Glu; replaces aspartic acid 486 with glutamic acid.
Molecular consequence: missense variant.
Genome position (GRCh38, 1-based): chr6:142,773,281, G>T on the plus strand (C>A on the coding strand, the complement: HIVEP2 is on the minus strand). VCF-style: chr6-142773281-G-T. GRCh37 (hg19) VCF-style: chr6-143094418-G-T.
Other names: c.1458C>A, p.Asp486Glu (NM_001438449.1, NM_001438450.1, NM_001438451.1); short protein forms D486E.
Identifiers: ClinVar variation 4537050 (VCV004537050.1).

ClinVar aggregate classification (germline): Uncertain significance (1 of 4 stars; one submission).

gnomAD v4.1: 48 of 1,614,066 alleles (0.003%); highest among the groups gnomAD compares: Non-Finnish European, 0.0037%; no homozygotes.

Submission:

Women's Health and Genetics/Laboratory Corporation of America, LabCorp
Classification: Uncertain significance. Last evaluated: 2025-11-05. Review status: criteria provided, single submitter. Criteria: LabCorp Variant Classification Summary - May 2015. Collection method: clinical testing. Allele origin: germline.
Comment: Variant summary: HIVEP2 c.1458C>A (p.Asp486Glu) results in a conservative amino acid change in the encoded protein sequence. Algorithms developed to predict the effect of missense changes on protein structure and function all suggest that this variant is likely to be tolerated. The variant allele was found at a frequency of 3.6e-05 in 249588 control chromosomes. The available data on variant occurrences in the general population are insufficient to allow any conclusion about variant significance. To our knowledge, no occurrence of c.1458C>A in individuals affected with HIVEP2-related conditions and no experimental evidence demonstrating its impact on protein function have been reported. No submitters have cited clinical-significance assessments for this variant to ClinVar. Based on the evidence outlined above, the variant was classified as uncertain significance.